The following is an entry in ClinVar:

ClinVar aggregate classification (germline): Uncertain significance (1 of 4 stars; one submission).

Conditions:
Developmental and epileptic encephalopathy, 12 (DEE12). Identifiers: MedGen C3150988, MONDO:0013389, OMIM 613722.

Allele frequency attached by ClinVar (database versions not stated): ExAC 0.00001; gnomAD 0.00003.
gnomAD v4.1: 9 of 1,611,856 alleles (0.00056%); highest among the groups gnomAD compares: African/African-American, 0.004%; no homozygotes.

Submission:

Labcorp Genetics (formerly Invitae), Labcorp
Classification: Uncertain significance for Developmental and epileptic encephalopathy, 12. Last evaluated: 2021-02-08. Review status: criteria provided, single submitter. Criteria: Invitae Variant Classification Sherloc (09022015). Collection method: clinical testing. Allele origin: germline.
Comment: This variant is present in population databases (rs773333771, ExAC 0.007%). This sequence change replaces valine with isoleucine at codon 1125 of the PLCB1 protein (p.Val1125Ile). The valine residue is moderately conserved and there is a small physicochemical difference between valine and isoleucine. This variant has not been reported in the literature in individuals with PLCB1-related conditions. In summary, the available evidence is currently insufficient to determine the role of this variant in disease. Therefore, it has been classified as a Variant of Uncertain Significance. Algorithms developed to predict the effect of missense changes on protein structure and function output the following: SIFT: "Tolerated"; PolyPhen-2: "Benign"; Align-GVGD: "Class C0". The isoleucine amino acid residue is found in multiple mammalian species, suggesting that this missense change does not adversely affect protein function. These predictions have not been confirmed by published functional studies and their clinical significance is uncertain.

NM_015192.4(PLCB1):c.3373G>A (p.Val1125Ile)

Gene: PLCB1 (phospholipase C beta 1; plus strand). Cytogenetic location: 20p12.3.
Variant type: single nucleotide variant.
Coding change: c.3373G>A on transcript NM_015192.4 (MANE Select); coding-DNA position 3373, G replaced by A.
Protein change: p.Val1125Ile; replaces valine 1125 with isoleucine.
Molecular consequence: missense variant.
Genome position (GRCh38, 1-based): chr20:8,790,211, G>A. VCF-style: chr20-8790211-G-A. GRCh37 (hg19) VCF-style: chr20-8770858-G-A.
Other names: c.3373G>A, p.Val1125Ile (NM_182734.3); short protein forms V1125I.
Identifiers: ClinVar variation 1451009 (VCV001451009.6), dbSNP rs773333771, ClinGen allele CA9760545.
Genomic context (GRCh38, chr20:8,790,211, plus strand): 5'-ATGTTTCTTGTAACTTTCTTATAGCTAGAAGAAGCGCAAAGTAAACGGCAAGAAAAACTC[G>A]TAGAGAAACACAAGGAAATACGTCAGCAGATCCTGGATGAAAAGCCCAAGGTAAACGGAA-3'
Protein context (NP_056007.1, residues 1115-1135): EAQSKRQEKL[Val1125Ile]EKHKEIRQQI